The following is an entry in ClinVar:

ClinVar aggregate classification (germline): Uncertain significance (1 of 4 stars; one submission).

Submission:

GeneDx
Classification: Uncertain significance. Last evaluated: 2024-12-19. Review status: criteria provided, single submitter. Criteria: GeneDx Variant Classification Process June 2021. Collection method: clinical testing. Allele origin: germline. Affected: yes.
Comment: Not observed at significant frequency in large population cohorts (gnomAD); In silico analysis supports that this missense variant has a deleterious effect on protein structure/function; Has not been previously published as pathogenic or benign to our knowledge

NM_007118.4(TRIO):c.2411C>A (p.Ser804Tyr)

Gene: TRIO (trio Rho guanine nucleotide exchange factor; plus strand). Cytogenetic location: 5p15.2.
Variant type: single nucleotide variant.
Coding change: c.2411C>A on transcript NM_007118.4 (MANE Select); coding-DNA position 2411, C replaced by A.
Protein change: p.Ser804Tyr; replaces serine 804 with tyrosine.
Molecular consequence: missense variant. On other transcripts: non-coding transcript variant (1).
Genome position (GRCh38, 1-based): chr5:14,363,751, C>A. VCF-style: chr5-14363751-C-A. GRCh37 (hg19) VCF-style: chr5-14363860-C-A.
Other names: short protein forms S804Y.
Identifiers: ClinVar variation 4055769 (VCV004055769.1).
Genomic context (GRCh38, chr5:14,363,751, plus strand): 5'-TGTATATTTTTTTTGTCTTGATCTTAAATACCTTCTTTCAGATTATCTCAGACCTCGAGT[C>A]TTGGAATGATGAGCTTTCTCAGCAAATGAATGACTTCGACACAGAAGATCTCACGATTGC-3'
Protein context (NP_009049.2, residues 794-814): DAIDIISDLE[Ser804Tyr]WNDELSQQMN